The following is an entry in ClinVar:

ClinVar aggregate classification (germline): Uncertain significance. Review status: criteria provided, multiple submitters, no conflicts (2 of 4 stars). 2 submissions from 2 submitters: Uncertain significance (2). Last evaluated 2025-11-10.

Conditions:
Inborn genetic diseases. Identifiers: MedGen C0950123, MeSH D030342.

gnomAD v4.1: 6 of 1,609,210 alleles (0.00037%); highest among the groups gnomAD compares: South Asian, 0.0022%; no homozygotes.

Submissions (2):

Women's Health and Genetics/Laboratory Corporation of America, LabCorp
Classification: Uncertain significance. Last evaluated: 2025-11-10. Review status: criteria provided, single submitter. Criteria: LabCorp Variant Classification Summary - May 2015. Collection method: clinical testing. Allele origin: germline.
Comment: Variant summary: SLC34A3 c.424G>A (p.Val142Met) results in a conservative amino acid change in the encoded protein sequence. Algorithms developed to predict the effect of missense changes on protein structure and function are either unavailable or do not agree on the potential impact of this missense change. The variant allele was found at a frequency of 4.2e-06 in 240218 control chromosomes. The available data on variant occurrences in the general population are insufficient to allow any conclusion about variant significance. To our knowledge, no occurrence of c.424G>A in individuals affected with SLC34A3-related conditions and no experimental evidence demonstrating its impact on protein function have been reported. ClinVar contains an entry for this variant (Variation ID: 3797495). Based on the evidence outlined above, the variant was classified as uncertain significance.

Ambry Genetics
Classification: Uncertain significance for Inborn genetic diseases. Last evaluated: 2025-01-09. Review status: criteria provided, single submitter. Criteria: Ambry Variant Classification Scheme 2023. Collection method: clinical testing. Allele origin: germline.

NM_001177316.2(SLC34A3):c.424G>A (p.Val142Met)

Gene: SLC34A3 (solute carrier family 34 member 3; plus strand). Cytogenetic location: 9q34.3.
Variant type: single nucleotide variant.
Coding change: c.424G>A on transcript NM_001177316.2 (MANE Select); coding-DNA position 424, G replaced by A.
Protein change: p.Val142Met; replaces valine 142 with methionine.
Molecular consequence: missense variant.
Genome position (GRCh38, 1-based): chr9:137,232,903, G>A. VCF-style: chr9-137232903-G-A. GRCh37 (hg19) VCF-style: chr9-140127355-G-A.
Other names: c.424G>A, p.Val142Met (NM_001177317.2, NM_080877.3); short protein forms V142M.
Identifiers: ClinVar variation 3797495 (VCV003797495.2).